The following is an entry in ClinVar:

NM_001127178.3(PIGG):c.1373G>C (p.Arg458Pro)

Gene: PIGG (phosphatidylinositol glycan anchor biosynthesis class G (EMM blood group); plus strand). Cytogenetic location: 4p16.3.
Variant type: single nucleotide variant.
Coding change: c.1373G>C on transcript NM_001127178.3 (MANE Select); coding-DNA position 1373, G replaced by C.
Protein change: p.Arg458Pro; replaces arginine 458 with proline.
Molecular consequence: missense variant. On other transcripts: synonymous variant (1), 5 prime UTR variant (2), non-coding transcript variant (10).
Genome position (GRCh38, 1-based): chr4:521,700, G>C. VCF-style: chr4-521700-G-C. GRCh37 (hg19) VCF-style: chr4-515489-G-C.
Other names: c.1106G>C, p.Arg369Pro (NM_001289051.2, NM_001289053.2, NM_001345986.2); c.974G>C, p.Arg325Pro (NM_001289052.2); c.961G>C, p.Ala321Pro (NM_001289055.2); c.888G>C, p.Ala296= (NM_001289057.2); c.1082G>C, p.Arg361Pro (NM_001345987.2); c.344G>C, p.Arg115Pro (NM_001345988.2); c.1373G>C, p.Arg458Pro (NM_001345989.2); c.-161G>C (NM_001345990.2, NM_001345991.2); and 2 more; short protein forms R458P, R115P, A321P, R325P, R92P, R450P, R361P, R369P.
Identifiers: ClinVar variation 476315 (VCV000476315.8), dbSNP rs13115344, ClinGen allele CA355904409.
Genomic context (GRCh38, chr4:521,700, plus strand): 5'-CTGCTGTTTCTCTGTTCCAGGTTCTCACCCTGCTCCTGCTCAGCGTCCCACAGGCACTGC[G>C]CAGAAAGGCTGAGCTGGAAGTCCCACTGTCATCTCCTGGGTTTTCTCTGCTCTTTTATTT-3'
Protein context (NP_001120650.1, residues 448-468): LLLLSVPQAL[Arg458Pro]RKAELEVPLS

ClinVar aggregate classification (germline): Uncertain significance (1 of 4 stars; one submission).

Conditions:
Intellectual disability, autosomal recessive 53 (NEDHSCA). Also called: GLYCOSYLPHOSPHATIDYLINOSITOL BIOSYNTHESIS DEFECT 13; Mental retardation, autosomal recessive 53; NEURODEVELOPMENTAL DISORDER WITH OR WITHOUT HYPOTONIA, SEIZURES, AND CEREBELLAR ATROPHY. Identifiers: Orphanet 488635, MedGen C4310794, MONDO:0014832, OMIM 616917.

gnomAD v4.1: 2 of 1,613,710 alleles (0.00012%); highest among the groups gnomAD compares: African/African-American, 0.0027%; no homozygotes.

Submission:

Labcorp Genetics (formerly Invitae), Labcorp
Classification: Uncertain significance for Intellectual disability, autosomal recessive 53. Last evaluated: 2024-10-17. Review status: criteria provided, single submitter. Criteria: Invitae Variant Classification Sherloc (09022015). Collection method: clinical testing. Allele origin: germline.
Comment: This sequence change replaces arginine, which is basic and polar, with proline, which is neutral and non-polar, at codon 458 of the PIGG protein (p.Arg458Pro). This variant is not present in population databases (gnomAD no frequency). This variant has not been reported in the literature in individuals affected with PIGG-related conditions. ClinVar contains an entry for this variant (Variation ID: 476315). Invitae Evidence Modeling of protein sequence and biophysical properties (such as structural, functional, and spatial information, amino acid conservation, physicochemical variation, residue mobility, and thermodynamic stability) indicates that this missense variant is not expected to disrupt PIGG protein function with a negative predictive value of 80%. In summary, the available evidence is currently insufficient to determine the role of this variant in disease. Therefore, it has been classified as a Variant of Uncertain Significance.